The following is an entry in ClinVar:

NM_198503.5(KCNT2):c.3389G>A (p.Arg1130Gln)

Gene: KCNT2 (potassium sodium-activated channel subfamily T member 2; minus strand). Cytogenetic location: 1q31.3.
Variant type: single nucleotide variant.
Coding change: c.3389G>A on transcript NM_198503.5 (MANE Select); coding-DNA position 3389, G replaced by A.
Protein change: p.Arg1130Gln; replaces arginine 1130 with glutamine.
Molecular consequence: missense variant. On other transcripts: non-coding transcript variant (2).
Genome position (GRCh38, 1-based): chr1:196,228,243, C>T on the plus strand (G>A on the coding strand, the complement: KCNT2 is on the minus strand). VCF-style: chr1-196228243-C-T. GRCh37 (hg19) VCF-style: chr1-196197373-C-T.
Other names: c.3317G>A, p.Arg1106Gln (NM_001287819.3); c.3188G>A, p.Arg1063Gln (NM_001287820.3); short protein forms R1106Q, R1130Q, R1063Q.
Identifiers: ClinVar variation 4622587 (VCV004622587.6).
Genomic context (GRCh38, chr1:196,228,243, plus strand): 5'-GCAAGGTCTTTGTAGGAAAAAAGTTTCTCATTTTATTTTTATCAAAGTTGAGTTTCCTCC[C>T]GAGAATCTTGACCAGTGACATTGCAGATGCTGTTTCTTCGACTGGGCTCACTGTTTGGAA-3'
Protein context (NP_940905.2, residues 1120-1135): SICNVTGQDS[Arg1130Gln]EETQL

ClinVar aggregate classification (germline): Likely benign. Review status: criteria provided, multiple submitters, no conflicts (2 of 4 stars). 3 submissions from 3 submitters: Likely benign (3). Last evaluated 2026-02-01.

Conditions:
Inborn genetic diseases. Identifiers: MedGen C0950123, MeSH D030342.

gnomAD v4.1: 65 of 1,605,978 alleles (0.004%); highest among the groups gnomAD compares: Middle Eastern, 0.2%; 1 homozygote.

Submissions (3):

CeGaT Center for Human Genetics Tuebingen
Classification: Likely benign. Last evaluated: 2026-02-01. Review status: criteria provided, single submitter. Criteria: CeGaT Center For Human Genetics Tuebingen Variant Classification Criteria Version 2. Collection method: clinical testing. Allele origin: germline. Affected: yes. Observed: 1 variant allele.
Comment: KCNT2: BP4, BS1

Ambry Genetics
Classification: Likely benign for Inborn genetic diseases. Last evaluated: 2025-11-12. Review status: criteria provided, single submitter. Criteria: Ambry Variant Classification Scheme 2023. Collection method: clinical testing. Allele origin: germline.

Blueprint Genetics
Classification: Likely benign. Last evaluated: 2024-09-19. Review status: criteria provided, single submitter. Criteria: ACMG Guidelines, 2015. Collection method: clinical testing. Allele origin: germline.